The following is an entry in ClinVar:

NM_000925.4(PDHB):c.533_534delinsAA (p.Trp178Ter)

Gene: PDHB (pyruvate dehydrogenase E1 subunit beta; minus strand). Cytogenetic location: 3p14.3.
Variant type: Indel.
Coding change: c.533_534delinsAA on transcript NM_000925.4 (MANE Select); coding-DNA positions 533 to 534, GG replaced by AA.
Protein change: p.Trp178Ter; replaces tryptophan 178 with a stop codon.
Molecular consequence: nonsense. On other transcripts: non-coding transcript variant (1).
Genome position (GRCh38, 1-based): chr3:58,430,712-58,430,713, CC replaced by TT on the plus strand (GG replaced by AA on the coding strand, the reverse complement: PDHB is on the minus strand). VCF-style: chr3-58430712-CC-TT. GRCh37 (hg19) VCF-style: chr3-58416439-CC-TT.
Other names: c.479_480delinsAA, p.Trp160Ter (NM_001173468.2, NM_001315536.2); short protein forms W160*, W178*.
Identifiers: ClinVar variation 3003908 (VCV003003908.3), dbSNP rs2471367665, ClinGen allele CA2740094481.
Genomic context (GRCh38, chr3:58,430,712, plus strand): 5'-CTGACCTGGATTGTTATCCCGAATGGCTGATTTAATAAGTCCTTTAGCATCCTCTGAATT[CC>TT]AGGGACTGACCACCTTTAAGCCTGGGCAGTGCCCATACCAGGCAGCAAAGCACTGTGAGT-3'

ClinVar aggregate classification (germline): Pathogenic (1 of 4 stars; one submission).

Conditions:
Pyruvate dehydrogenase E1-beta deficiency (PDHBD). Identifiers: Orphanet 255138, Orphanet 765, MedGen C3279841, MONDO:0013580, OMIM 614111.

Submission:

Labcorp Genetics (formerly Invitae), Labcorp
Classification: Pathogenic for Pyruvate dehydrogenase E1-beta deficiency. Last evaluated: 2024-01-02. Review status: criteria provided, single submitter. Criteria: Invitae Variant Classification Sherloc (09022015). Collection method: clinical testing. Allele origin: germline.
Comment: This sequence change creates a premature translational stop signal (p.Trp178*) in the PDHB gene. It is expected to result in an absent or disrupted protein product. Loss-of-function variants in PDHB are known to be pathogenic (PMID: 21914562, 25356417). Information on the frequency of this variant in the gnomAD database is not available, as this variant may be reported differently in the database. This variant has not been reported in the literature in individuals affected with PDHB-related conditions. For these reasons, this variant has been classified as Pathogenic.

Literature cited by the submitters: PubMed 21914562; PubMed 25356417.